The following is an entry in ClinVar:

ClinVar aggregate classification (germline): Uncertain significance. Review status: criteria provided, multiple submitters, no conflicts (2 of 4 stars). 2 submissions from 2 submitters: Uncertain significance (2). Last evaluated 2025-10-28.

gnomAD v4.1: 2 of 1,614,214 alleles (0.00012%); highest among the groups gnomAD compares: Non-Finnish European, 0.00017%; no homozygotes.

Submissions (2):

Women's Health and Genetics/Laboratory Corporation of America, LabCorp
Classification: Uncertain significance. Last evaluated: 2025-10-28. Review status: criteria provided, single submitter. Criteria: LabCorp Variant Classification Summary - May 2015. Collection method: clinical testing. Allele origin: germline.
Comment: Variant summary: INSR c.3499G>A (p.Val1167Ile) results in a conservative amino acid change in the encoded protein sequence. Algorithms developed to predict the effect of missense changes on protein structure and function are either unavailable or do not agree on the potential impact of this missense change. The variant was absent in 251482 control chromosomes. The available data on variant occurrences in the general population are insufficient to allow any conclusion about variant significance. To our knowledge, no occurrence of c.3499G>A in individuals affected with INSR-related conditions and no experimental evidence demonstrating its impact on protein function have been reported. ClinVar contains an entry for this variant (Variation ID: 3648541). Based on the evidence outlined above, the variant was classified as uncertain significance.

Labcorp Genetics (formerly Invitae), Labcorp
Classification: Uncertain significance. Last evaluated: 2024-04-25. Review status: criteria provided, single submitter. Criteria: Invitae Variant Classification Sherloc (09022015). Collection method: clinical testing. Allele origin: germline.
Comment: This sequence change replaces valine, which is neutral and non-polar, with isoleucine, which is neutral and non-polar, at codon 1167 of the INSR protein (p.Val1167Ile). This variant is not present in population databases (gnomAD no frequency). This variant has not been reported in the literature in individuals affected with INSR-related conditions. Advanced modeling of protein sequence and biophysical properties (such as structural, functional, and spatial information, amino acid conservation, physicochemical variation, residue mobility, and thermodynamic stability) performed at Invitae indicates that this missense variant is not expected to disrupt INSR protein function with a negative predictive value of 80%. In summary, the available evidence is currently insufficient to determine the role of this variant in disease. Therefore, it has been classified as a Variant of Uncertain Significance.

NM_000208.4(INSR):c.3499G>A (p.Val1167Ile)

Gene: INSR (insulin receptor; minus strand). Cytogenetic location: 19p13.2.
Variant type: single nucleotide variant.
Coding change: c.3499G>A on transcript NM_000208.4 (MANE Select); coding-DNA position 3499, G replaced by A.
Protein change: p.Val1167Ile; replaces valine 1167 with isoleucine.
Molecular consequence: missense variant.
Genome position (GRCh38, 1-based): chr19:7,122,644, C>T on the plus strand (G>A on the coding strand, the complement: INSR is on the minus strand). VCF-style: chr19-7122644-C-T. GRCh37 (hg19) VCF-style: chr19-7122655-C-T.
Other names: c.3463G>A, p.Val1155Ile (NM_001079817.3); short protein forms V1167I, V1155I.
Identifiers: ClinVar variation 3648541 (VCV003648541.3).